The following is an entry in ClinVar:

NM_024529.5(CDC73):c.188T>C (p.Leu63Pro)

Gene: CDC73 (cell division cycle 73; plus strand). Cytogenetic location: 1q31.2.
Variant type: single nucleotide variant.
Coding change: c.188T>C on transcript NM_024529.5 (MANE Select); coding-DNA position 188, T replaced by C.
Protein change: p.Leu63Pro; replaces leucine 63 with proline.
Molecular consequence: missense variant.
Genome position (GRCh38, 1-based): chr1:193,125,168, T>C. VCF-style: chr1-193125168-T-C. GRCh37 (hg19) VCF-style: chr1-193094298-T-C.
Other names: short protein forms L63P.
Identifiers: ClinVar variation 403886 (VCV000403886.11), dbSNP rs1060500015, ClinGen allele CA16609951.

ClinVar aggregate classification (germline): Pathogenic (1 of 4 stars; one submission).

Conditions:
Parathyroid carcinoma (PRTC). Also called: CDC73-Related Parathyroid Carcinoma; Parathyroid gland carcinoma. Identifiers: Orphanet 143, MedGen C0687150, MONDO:0012004, OMIM 608266, HP:0006780.

Submission:

Labcorp Genetics (formerly Invitae), Labcorp
Classification: Pathogenic for Parathyroid carcinoma. Last evaluated: 2024-02-23. Review status: criteria provided, single submitter. Criteria: Invitae Variant Classification Sherloc (09022015). Collection method: clinical testing. Allele origin: germline.
Comment: This sequence change replaces leucine, which is neutral and non-polar, with proline, which is neutral and non-polar, at codon 63 of the CDC73 protein (p.Leu63Pro). This variant is not present in population databases (gnomAD no frequency). This missense change has been observed in individuals with clinical features of familial isolated hyperparathyroidism (PMID: 18755853, 32761341; Invitae). It has also been observed to segregate with disease in related individuals. ClinVar contains an entry for this variant (Variation ID: 403886). Advanced modeling of protein sequence and biophysical properties (such as structural, functional, and spatial information, amino acid conservation, physicochemical variation, residue mobility, and thermodynamic stability) performed at Invitae indicates that this missense variant is expected to disrupt CDC73 protein function with a positive predictive value of 80%. For these reasons, this variant has been classified as Pathogenic.

Literature cited by the submitters: PubMed 18755853; PubMed 32761341.